The following is an entry in ClinVar:

NM_002292.4(LAMB2):c.2588G>A (p.Arg863His)

Genes: LAMB2 (laminin subunit beta 2; minus strand), LOC129936738 (ATAC-STARR-seq lymphoblastoid active region 19855; plus strand). Cytogenetic location: 3p21.31.
Variant type: single nucleotide variant.
Coding change: c.2588G>A on transcript NM_002292.4 (MANE Select); coding-DNA position 2588, G replaced by A.
Protein change: p.Arg863His; replaces arginine 863 with histidine.
Molecular consequence: missense variant.
Genome position (GRCh38, 1-based): chr3:49,125,385, C>T on the plus strand (G>A on the coding strand, the complement: LAMB2 is on the minus strand). VCF-style: chr3-49125385-C-T. GRCh37 (hg19) VCF-style: chr3-49162818-C-T.
Other names: short protein forms R863H.
Identifiers: ClinVar variation 648085 (VCV000648085.6), dbSNP rs146326783, ClinGen allele CA2394271.

ClinVar aggregate classification (germline): Conflicting classifications of pathogenicity. Review status: criteria provided, conflicting classifications (1 of 4 stars). 3 submissions from 3 submitters: Uncertain significance (2); Likely benign (1). Last evaluated 2024-03-07.

Conditions:
Pierson syndrome. Also called: MICROCORIA-CONGENITAL NEPHROTIC SYNDROME. Identifiers: Orphanet 2670, MedGen C1836876, MONDO:0012184, OMIM 609049.
LAMB2-related infantile-onset nephrotic syndrome. Also called: Nephrotic Syndrome, type 5; NEPHROTIC SYNDROME, TYPE 5, WITHOUT OCULAR ABNORMALITIES; NEPHROTIC SYNDROME, TYPE 5, WITH OCULAR ABNORMALITIES. Identifiers: Orphanet 306507, MedGen C3280113, MONDO:0013621, OMIM 614199.
Inborn genetic diseases. Identifiers: MedGen C0950123, MeSH D030342.

Allele frequency attached by ClinVar (database versions not stated): gnomAD exomes 0.00009; ExAC 0.00011; gnomAD 0.00023 and 0.00025; TOPMed 0.00028; ESP Exome Variant Server 0.00054.
gnomAD v4.1: 90 of 1,613,948 alleles (0.0056%); highest among the groups gnomAD compares: African/African-American, 0.073%; no homozygotes.

Submissions (3):

Fulgent Genetics
Classification: Uncertain significance for Pierson syndrome; LAMB2-related infantile-onset nephrotic syndrome. Last evaluated: 2024-03-07. Review status: criteria provided, single submitter. Criteria: ACMG Guidelines, 2015. Collection method: clinical testing. Allele origin: germline.

Labcorp Genetics (formerly Invitae), Labcorp
Classification: Uncertain significance for LAMB2-related infantile-onset nephrotic syndrome; Pierson syndrome. Last evaluated: 2021-08-27. Review status: criteria provided, single submitter. Criteria: Invitae Variant Classification Sherloc (09022015). Collection method: clinical testing. Allele origin: germline.
Comment: This sequence change replaces arginine with histidine at codon 863 of the LAMB2 protein (p.Arg863His). The arginine residue is highly conserved and there is a small physicochemical difference between arginine and histidine. This variant is present in population databases (rs146326783, ExAC 0.09%). This variant has not been reported in the literature in individuals affected with LAMB2-related conditions. Algorithms developed to predict the effect of missense changes on protein structure and function output the following: SIFT: "Tolerated"; PolyPhen-2: "Benign"; Align-GVGD: "Class C0". The histidine amino acid residue is found in multiple mammalian species, which suggests that this missense change does not adversely affect protein function. In summary, the available evidence is currently insufficient to determine the role of this variant in disease. Therefore, it has been classified as a Variant of Uncertain Significance.

Ambry Genetics
Classification: Likely benign for Inborn genetic diseases. Last evaluated: 2021-08-12. Review status: criteria provided, single submitter. Criteria: Ambry Variant Classification Scheme 2023. Collection method: clinical testing. Allele origin: germline.